The following is an entry in ClinVar:

NM_020944.3(GBA2):c.1532_1533del (p.Cys511fs)

Gene: GBA2 (glucosylceramidase beta 2; minus strand). Cytogenetic location: 9p13.3.
Variant type: Microsatellite.
Coding change: c.1532_1533del on transcript NM_020944.3 (MANE Select); coding-DNA positions 1532 to 1533, 2 bases deleted (GT; older notation c.1532_1533delGT).
Protein change: p.Cys511fs; shifts the reading frame from cysteine 511.
Molecular consequence: frameshift variant.
Genome position (GRCh38, 1-based): chr9:35,739,677-35,739,678, AC deleted on the plus strand (GT on the coding strand, the reverse complement: GBA2 is on the minus strand); deleting any 2 consecutive bases within chr9:35,739,677-35,739,681 gives the same sequence; the c. name uses the placement nearest the transcript's 3' end. VCF-style (leftmost placement, unchanged base first): chr9-35739676-GAC-G. GRCh37 (hg19) VCF-style: chr9-35739673-GAC-G.
Other names: c.1532_1533del, p.Cys511fs (NM_001330660.2); short protein forms C511fs.
Identifiers: ClinVar variation 933437 (VCV000933437.7), dbSNP rs1826516488, ClinGen allele CA645558094.

ClinVar aggregate classification (germline): Pathogenic (1 of 4 stars; one submission).

Conditions:
Spastic paraplegia. Identifiers: MedGen C0037772, HP:0001258.

Submission:

Labcorp Genetics (formerly Invitae), Labcorp
Classification: Pathogenic for Spastic paraplegia. Last evaluated: 2019-07-02. Review status: criteria provided, single submitter. Criteria: Invitae Variant Classification Sherloc (09022015). Collection method: clinical testing. Allele origin: germline.
Comment: This sequence change creates a premature translational stop signal (p.Cys511Serfs*16) in the GBA2 gene. It is expected to result in an absent or disrupted protein product. This variant is not present in population databases (ExAC no frequency). This variant has not been reported in the literature in individuals with GBA2-related conditions. Loss-of-function variants in GBA2 are known to be pathogenic (PMID: 23332916, 23332917). For these reasons, this variant has been classified as Pathogenic.

Literature cited by the submitters: PubMed 23332916; PubMed 23332917.